The following is an entry in ClinVar:

ClinVar aggregate classification (germline): Uncertain significance (1 of 4 stars; one submission).

Allele frequency attached by ClinVar (database versions not stated): gnomAD exomes below 0.00001.
gnomAD v4.1: 1 of 1,613,854 alleles (0.000062%); highest among the groups gnomAD compares: Admixed American, 0.0017%; no homozygotes.

Submission:

Labcorp Genetics (formerly Invitae), Labcorp
Classification: Uncertain significance. Last evaluated: 2022-07-06. Review status: criteria provided, single submitter. Criteria: Invitae Variant Classification Sherloc (09022015). Collection method: clinical testing. Allele origin: germline.
Comment: In summary, the available evidence is currently insufficient to determine the role of this variant in disease. Therefore, it has been classified as a Variant of Uncertain Significance. Algorithms developed to predict the effect of missense changes on protein structure and function are either unavailable or do not agree on the potential impact of this missense change (SIFT: "Tolerated"; PolyPhen-2: "Probably Damaging"; Align-GVGD: "Class C0"). ClinVar contains an entry for this variant (Variation ID: 1493756). This variant has not been reported in the literature in individuals affected with TTC37-related conditions. This variant is not present in population databases (gnomAD no frequency). This sequence change replaces tryptophan, which is neutral and slightly polar, with leucine, which is neutral and non-polar, at codon 1273 of the TTC37 protein (p.Trp1273Leu).

NM_014639.4(SKIC3):c.3818G>T (p.Trp1273Leu)

Gene: SKIC3 (SKI3 subunit of superkiller complex; minus strand). Cytogenetic location: 5q15.
Variant type: single nucleotide variant.
Coding change: c.3818G>T on transcript NM_014639.4 (MANE Select); coding-DNA position 3818, G replaced by T.
Protein change: p.Trp1273Leu; replaces tryptophan 1273 with leucine.
Molecular consequence: missense variant.
Genome position (GRCh38, 1-based): chr5:95,491,021, C>A on the plus strand (G>T on the coding strand, the complement: SKIC3 is on the minus strand). VCF-style: chr5-95491021-C-A. GRCh37 (hg19) VCF-style: chr5-94826725-C-A.
Other names: short protein forms W1273L.
Identifiers: ClinVar variation 1493756 (VCV001493756.8), dbSNP rs2112260248, ClinGen allele CA360447891.